The following is an entry in ClinVar:

NM_015512.5(DNAH1):c.7658C>T (p.Thr2553Met)

Gene: DNAH1 (dynein axonemal heavy chain 1; plus strand). Cytogenetic location: 3p21.1.
Variant type: single nucleotide variant.
Coding change: c.7658C>T on transcript NM_015512.5 (MANE Select); coding-DNA position 7658, C replaced by T.
Protein change: p.Thr2553Met; replaces threonine 2553 with methionine.
Molecular consequence: missense variant.
Genome position (GRCh38, 1-based): chr3:52,381,689, C>T. VCF-style: chr3-52381689-C-T. GRCh37 (hg19) VCF-style: chr3-52415705-C-T.
Other names: short protein forms T2553M.
Identifiers: ClinVar variation 3753483 (VCV003753483.2).

ClinVar aggregate classification (germline): Uncertain significance (1 of 4 stars; one submission).

Conditions:
Spermatogenic failure 18. Identifiers: MedGen C4539783, MONDO:0054615, OMIM 617576.
Ciliary dyskinesia, primary, 37 (CILD37). Also called: CILIARY DYSKINESIA, PRIMARY, 37, WITH OR WITHOUT SITUS INVERSUS. Identifiers: MedGen C4539798, MONDO:0033204, OMIM 617577.

gnomAD v4.1: 29 of 1,608,454 alleles (0.0018%); highest among the groups gnomAD compares: South Asian, 0.0045%; no homozygotes.

Submission:

Labcorp Genetics (formerly Invitae), Labcorp
Classification: Uncertain significance for Ciliary dyskinesia, primary, 37; Spermatogenic failure 18. Last evaluated: 2024-05-13. Review status: criteria provided, single submitter. Criteria: Invitae Variant Classification Sherloc (09022015). Collection method: clinical testing. Allele origin: germline.
Comment: This sequence change replaces threonine, which is neutral and polar, with methionine, which is neutral and non-polar, at codon 2553 of the DNAH1 protein (p.Thr2553Met). The frequency data for this variant in the population databases is considered unreliable, as metrics indicate poor data quality at this position in the gnomAD database. This variant has not been reported in the literature in individuals affected with DNAH1-related conditions. Advanced modeling of protein sequence and biophysical properties (such as structural, functional, and spatial information, amino acid conservation, physicochemical variation, residue mobility, and thermodynamic stability) performed at Invitae indicates that this missense variant is expected to disrupt DNAH1 protein function with a positive predictive value of 80%. In summary, the available evidence is currently insufficient to determine the role of this variant in disease. Therefore, it has been classified as a Variant of Uncertain Significance.